The following is an entry in ClinVar:

ClinVar aggregate classification (germline): Likely pathogenic (1 of 4 stars; one submission).

Allele frequency attached by ClinVar (database versions not stated): gnomAD exomes below 0.00001.
gnomAD v4.1: 2 of 1,610,916 alleles (0.00012%); highest among the groups gnomAD compares: African/African-American, 0.0027%; no homozygotes.

Submission:

GeneDx
Classification: Likely pathogenic. Last evaluated: 2018-03-08. Review status: criteria provided, single submitter. Criteria: GeneDx Variant Classification (06012015). Collection method: clinical testing. Allele origin: germline. Affected: yes.
Comment: The c.5900+1 G>T variant has not been published as a pathogenic variant, nor has it been reported as a benign variant to our knowledge. The c.5900+1 G>T variant is not observed in large population cohorts (Lek et al., 2016). The c.5900+1 G>T splice site variant destroys the canonical splice donor site in intron 30. It is predicted to cause abnormal gene splicing, either leading to an abnormal message that is subject to nonsense-mediated mRNA decay, or to an abnormal protein product if the message is used for protein translation. Therefore, this variant is likely pathogenic; however, the possibility that it is benign cannot be excluded.

NM_001384732.1(CPLANE1):c.5900+1G>T

Gene: CPLANE1 (ciliogenesis and planar polarity effector complex subunit 1; minus strand). Cytogenetic location: 5p13.2.
Variant type: single nucleotide variant.
Coding change: c.5900+1G>T on transcript NM_001384732.1 (MANE Select); the canonical splice donor site of the intron after coding-DNA position 5900, G replaced by T.
Molecular consequence: splice donor variant.
Genome position (GRCh38, 1-based): chr5:37,177,620, C>A on the plus strand (G>T on the coding strand, the complement: CPLANE1 is on the minus strand). VCF-style: chr5-37177620-C-A. GRCh37 (hg19) VCF-style: chr5-37177722-C-A.
Other names: c.5900+1G>T (NM_023073.4).
Identifiers: ClinVar variation 504396 (VCV000504396.2), dbSNP rs1554080188, ClinGen allele CA359487039.
Genomic context (GRCh38, chr5:37,177,620, plus strand): 5'-AAGCTGAAAGCTTCACTGAGGTAACCAGTGACAATCACTGTCATACTTTTTTCCCCCTTA[C>A]CCTTTTTGTTCAGTCGATTTTTCCTCCATAATTGTCTCCAGTGGTTCTTCCCTTTGACAC-3'